The following is an entry in ClinVar:

ClinVar aggregate classification (germline): Uncertain significance (1 of 4 stars; one submission).

gnomAD v4.1: 11 of 1,583,130 alleles (0.00069%); highest among the groups gnomAD compares: Non-Finnish European, 0.00095%; no homozygotes.

Submission:

Labcorp Genetics (formerly Invitae), Labcorp
Classification: Uncertain significance. Last evaluated: 2024-06-26. Review status: criteria provided, single submitter. Criteria: Invitae Variant Classification Sherloc (09022015). Collection method: clinical testing. Allele origin: germline.
Comment: This sequence change replaces serine, which is neutral and polar, with isoleucine, which is neutral and non-polar, at codon 481 of the MYO7A protein (p.Ser481Ile). The frequency data for this variant in the population databases is considered unreliable, as metrics indicate poor data quality at this position in the gnomAD database. This variant has not been reported in the literature in individuals affected with MYO7A-related conditions. Advanced modeling of protein sequence and biophysical properties (such as structural, functional, and spatial information, amino acid conservation, physicochemical variation, residue mobility, and thermodynamic stability) performed at Invitae indicates that this missense variant is not expected to disrupt MYO7A protein function with a negative predictive value of 95%. In summary, the available evidence is currently insufficient to determine the role of this variant in disease. Therefore, it has been classified as a Variant of Uncertain Significance.

NM_000260.4(MYO7A):c.1442G>T (p.Ser481Ile)

Gene: MYO7A (myosin VIIA; plus strand). Cytogenetic location: 11q13.5.
Variant type: single nucleotide variant.
Coding change: c.1442G>T on transcript NM_000260.4 (MANE Select); coding-DNA position 1442, G replaced by T.
Protein change: p.Ser481Ile; replaces serine 481 with isoleucine.
Molecular consequence: missense variant.
Genome position (GRCh38, 1-based): chr11:77,162,218, G>T. VCF-style: chr11-77162218-G-T. GRCh37 (hg19) VCF-style: chr11-76873264-G-T.
Other names: c.1442G>T, p.Ser481Ile (NM_001127180.2); c.1409G>T, p.Ser470Ile (NM_001369365.1); short protein forms S470I, S481I.
Identifiers: ClinVar variation 3706490 (VCV003706490.1).